The following is an entry in ClinVar:

ClinVar aggregate classification (germline): Uncertain significance (1 of 4 stars; one submission).

Conditions:
Cone-rod dystrophy 6 (CORD6). Also called: RETINAL CONE DYSTROPHY 2; Cone dystrophy progressive. Identifiers: Orphanet 1872, MedGen C1866293, MONDO:0011143, OMIM 601777.
Leber congenital amaurosis 1 (LCA1). Also called: RETINAL BLINDNESS, CONGENITAL; AMAUROSIS CONGENITA OF LEBER I; Congenital absence of the rods and cones; Leber's congenital tapetoretinal degeneration; Leber's congenital tapetoretinal dysplasia. Identifiers: Orphanet 65, MedGen C2931258, MONDO:0008764, OMIM 204000.

Submission:

Labcorp Genetics (formerly Invitae), Labcorp
Classification: Uncertain significance for Leber congenital amaurosis 1; Cone-rod dystrophy 6. Last evaluated: 2024-10-28. Review status: criteria provided, single submitter. Criteria: Invitae Variant Classification Sherloc (09022015). Collection method: clinical testing. Allele origin: germline.
Comment: This sequence change replaces tryptophan, which is neutral and slightly polar, with arginine, which is basic and polar, at codon 150 of the GUCY2D protein (p.Trp150Arg). This variant is not present in population databases (gnomAD no frequency). This missense change has been observed in individual(s) with Leber congenital amaurosis (PMID: 17964524). ClinVar contains an entry for this variant (Variation ID: 2137914). Invitae Evidence Modeling of protein sequence and biophysical properties (such as structural, functional, and spatial information, amino acid conservation, physicochemical variation, residue mobility, and thermodynamic stability) has been performed for this missense variant. However, the output from this modeling did not meet the statistical confidence thresholds required to predict the impact of this variant on GUCY2D protein function. In summary, the available evidence is currently insufficient to determine the role of this variant in disease. Therefore, it has been classified as a Variant of Uncertain Significance.

Literature cited by the submitters: PubMed 17964524.

NM_000180.4(GUCY2D):c.448T>C (p.Trp150Arg)

Gene: GUCY2D (guanylate cyclase 2D, retinal; plus strand). Cytogenetic location: 17p13.1.
Variant type: single nucleotide variant.
Coding change: c.448T>C on transcript NM_000180.4 (MANE Select); coding-DNA position 448, T replaced by C.
Protein change: p.Trp150Arg; replaces tryptophan 150 with arginine.
Molecular consequence: missense variant.
Genome position (GRCh38, 1-based): chr17:8,003,495, T>C. VCF-style: chr17-8003495-T-C. GRCh37 (hg19) VCF-style: chr17-7906813-T-C.
Other names: short protein forms W150R.
Identifiers: ClinVar variation 2137914 (VCV002137914.4), dbSNP rs2545418006, ClinGen allele CA397943644.